The following is an entry in ClinVar:

ClinVar aggregate classification (germline): Pathogenic. Review status: criteria provided, multiple submitters, no conflicts (2 of 4 stars). 3 submissions from 3 submitters: Pathogenic (3). Last evaluated 2024-12-09.

Conditions:
Epidermolysis bullosa simplex 5C, with pyloric atresia (EBS5C). Also called: Epidermolysis bullosa simplex with pyloric atresia; PLEC-Related Epidermolysis Bullosa with Pyloric Atresia; PLEC1-Related Epidermolysis Bullosa with Pyloric Atresia. Identifiers: Orphanet 158684, MedGen C2677349, MONDO:0012807, OMIM 612138.
Epidermolysis bullosa simplex with nail dystrophy (EBS5D). Identifiers: MedGen C4225309, MONDO:0014661, OMIM 616487.
Epidermolysis bullosa simplex 5B, with muscular dystrophy (EBS5B). Also called: EPIDERMOLYSIS BULLOSA SIMPLEX AND LIMB-GIRDLE MUSCULAR DYSTROPHY; Epidermolysis bullosa simplex with muscular dystrophy. Identifiers: Orphanet 257, MedGen C2931072, MONDO:0009181, OMIM 226670.
Autosomal recessive limb-girdle muscular dystrophy type 2Q (LGMDR17). Also called: MUSCULAR DYSTROPHY, LIMB-GIRDLE, AUTOSOMAL RECESSIVE 17. Identifiers: Orphanet 254361, MedGen C3150989, MONDO:0013390, OMIM 613723.
Epidermolysis bullosa simplex, Ogna type (EBS5A). Also called: Pidermolysis bullosa simplex 5A, Ogna type; EPIDERMOLYSIS BULLOSA SIMPLEX 5A, OGNA TYPE. Identifiers: Orphanet 79401, MedGen C0432317, MONDO:0007555, OMIM 131950.

Allele frequency attached by ClinVar (database versions not stated): gnomAD exomes below 0.00001 and 0.00001; TOPMed below 0.00001; gnomAD 0.00001; ExAC 0.00002.
gnomAD v4.1: 4 of 1,611,822 alleles (0.00025%); highest among the groups gnomAD compares: East Asian, 0.0067%; no homozygotes.

Submissions (3):

Revvity Omics, Revvity
Classification: Pathogenic. Last evaluated: 2024-12-09. Review status: criteria provided, single submitter. Criteria: ACMG Guidelines, 2015. Collection method: clinical testing. Allele origin: germline.

Labcorp Genetics (formerly Invitae), Labcorp
Classification: Pathogenic for Autosomal recessive limb-girdle muscular dystrophy type 2Q; Epidermolysis bullosa simplex, Ogna type; Epidermolysis bullosa simplex with nail dystrophy; Epidermolysis bullosa simplex 5C, with pyloric atresia; Epidermolysis bullosa simplex 5B, with muscular dystrophy. Last evaluated: 2022-01-13. Review status: criteria provided, single submitter. Criteria: Invitae Variant Classification Sherloc (09022015). Collection method: clinical testing. Allele origin: germline.
Comment: For these reasons, this variant has been classified as Pathogenic. ClinVar contains an entry for this variant (Variation ID: 620547). This variant has not been reported in the literature in individuals affected with PLEC-related conditions. The frequency data for this variant in the population databases is considered unreliable, as metrics indicate poor data quality at this position in the gnomAD database. This sequence change creates a premature translational stop signal (p.Gln2331*) in the PLEC gene. It is expected to result in an absent or disrupted protein product. Loss-of-function variants in PLEC are known to be pathogenic (PMID: 20301336, 20447487, 21109228, 23289980, 28824526).

GeneDx
Classification: Pathogenic. Last evaluated: 2019-01-07. Review status: criteria provided, single submitter. Criteria: GeneDx Variant Classification (06012015). Collection method: clinical testing. Allele origin: germline. Affected: yes.
Comment: The Q2331X variant in the PLEC gene has not been reported previously as a pathogenic variant nor as a benign variant, to our knowledge. This variant is predicted to cause loss of normal protein function either through protein truncation or nonsense-mediated mRNA decay. The Q2331X variant is not observed at a significant frequency in large population cohorts (Lek et al., 2016). We interpret Q2331X as a pathogenic variant.

Literature cited by the submitters: PubMed 20301336 (cited by Labcorp Genetics (formerly Invitae), Labcorp); PubMed 20447487 (cited by Labcorp Genetics (formerly Invitae), Labcorp); PubMed 21109228 (cited by Labcorp Genetics (formerly Invitae), Labcorp); PubMed 23289980 (cited by Labcorp Genetics (formerly Invitae), Labcorp); PubMed 28824526 (cited by Labcorp Genetics (formerly Invitae), Labcorp).

NM_201384.3(PLEC):c.6910C>T (p.Gln2304Ter)

Gene: PLEC (plectin; minus strand). Cytogenetic location: 8q24.3.
Variant type: single nucleotide variant.
Coding change: c.6910C>T on transcript NM_201384.3 (MANE Select); coding-DNA position 6910, C replaced by T.
Protein change: p.Gln2304Ter; replaces glutamine 2304 with a stop codon.
Molecular consequence: nonsense.
Genome position (GRCh38, 1-based): chr8:143,923,019, G>A on the plus strand (C>T on the coding strand, the complement: PLEC is on the minus strand). VCF-style: chr8-143923019-G-A. GRCh37 (hg19) VCF-style: chr8-144997187-G-A.
Other names: c.6991C>T, p.Gln2331Ter (NM_000445.5); c.6868C>T, p.Gln2290Ter (NM_201378.4); c.6844C>T, p.Gln2282Ter (NM_201379.3); c.7321C>T, p.Gln2441Ter (NM_201380.4); c.6814C>T, p.Gln2272Ter (NM_201381.3); c.6910C>T, p.Gln2304Ter (NM_201382.4); c.6922C>T, p.Gln2308Ter (NM_201383.3); short protein forms Q2272*, Q2282*, Q2290*, Q2304*, Q2308*, Q2331*, Q2441*.
Identifiers: ClinVar variation 620547 (VCV000620547.10), dbSNP rs782107643, ClinGen allele CA4925812.
Genomic context (GRCh38, chr8:143,923,019, plus strand): 5'-GCGTGGCCTCCTGCACCGCCTGCATCTTCTCCTTGAGCATCTTCTCTGCCAAGGCCCGCT[G>A]CTGTGCCAGGTCCTCCTCTGCCAGCTGCCGCAGTCGCGCAGCCTCTTGGGCCGCCACACT-3'